The following is an entry in ClinVar:

ClinVar aggregate classification (germline): Benign (1 of 4 stars; one submission).

Conditions:
Amyotrophic neuralgia (HNA). Also called: AMYOTROPHY, HEREDITARY NEURALGIC; Hereditary Brachial Plexus Neuropathy; Neuritis with Brachial Predilection; AMYOTROPHY, HEREDITARY NEURALGIC, WITH PREDILECTION FOR BRACHIAL PLEXUS. Identifiers: Orphanet 2901, MedGen C1834304, MONDO:0008076, OMIM 162100.

Allele frequency attached by ClinVar (database versions not stated): gnomAD 0.00126 and 0.00278; TOPMed 0.00216; gnomAD exomes 0.00777 and 0.00852; 1000 Genomes Project 30x 0.01546; 1000 Genomes Project 0.01717; ExAC 0.02083.
gnomAD v4.1: 2,775 of 461,664 alleles (0.6%); highest among the groups gnomAD compares: East Asian, 4.8%; 78 homozygotes.

Submission:

Illumina Laboratory Services, Illumina
Classification: Benign for Amyotrophy, hereditary neuralgic. Last evaluated: 2017-04-27. Review status: criteria provided, single submitter. Criteria: ICSL Variant Classification Criteria 13 December 2019. Collection method: clinical testing. Allele origin: germline.
Comment: This variant was observed as part of a predisposition screen in an ostensibly healthy population. A literature search was performed for the gene, cDNA change, and amino acid change (where applicable). No publications were found based on this search. Allele frequency data from public databases was too high to be consistent with this variant causing disease. Therefore, this variant is classified as benign.

NM_001113491.2(SEPTIN9):c.*876C>T

Gene: SEPTIN9 (septin 9; plus strand). Cytogenetic location: 17q25.3.
Variant type: single nucleotide variant.
Coding change: c.*876C>T on transcript NM_001113491.2 (MANE Select); 876 bases downstream of the stop codon, C replaced by T.
Molecular consequence: 3 prime UTR variant.
Genome position (GRCh38, 1-based): chr17:77,499,534, C>T. VCF-style: chr17-77499534-C-T. GRCh37 (hg19) VCF-style: chr17-75495616-C-T.
Other names: c.*876C>T (NM_001113492.2, NM_001113493.2, NM_001113494.1 and 7 more transcripts).
Identifiers: ClinVar variation 325601 (VCV000325601.5), dbSNP rs3826284, ClinGen allele CA8794054.